The following is an entry in ClinVar:

NM_183357.3(ADCY5):c.982G>A (p.Gly328Ser)

Gene: ADCY5 (adenylate cyclase 5; minus strand). Cytogenetic location: 3q21.1.
Variant type: single nucleotide variant.
Coding change: c.982G>A on transcript NM_183357.3 (MANE Select); coding-DNA position 982, G replaced by A.
Protein change: p.Gly328Ser; replaces glycine 328 with serine.
Molecular consequence: missense variant.
Genome position (GRCh38, 1-based): chr3:123,447,564, C>T on the plus strand (G>A on the coding strand, the complement: ADCY5 is on the minus strand). VCF-style: chr3-123447564-C-T. GRCh37 (hg19) VCF-style: chr3-123166411-C-T.
Other names: c.982G>A, p.Gly328Ser (NM_001378259.1); short protein forms G328S.
Identifiers: ClinVar variation 1448500 (VCV001448500.7), dbSNP rs749154761, ClinGen allele CA2577596.
Genomic context (GRCh38, chr3:123,447,564, plus strand): 5'-GCATGCGCACGGGCAGCAGCGTGTAGATGGTGTAGATGAAGAACACGGTCCACCAGATGC[C>T]CTCAGAGGCGCTGCGTGGCTGCGGCAGCAGCAGGCCCACCACCTGGACGGCCAGCACCAC-3'
Protein context (NP_899200.1, residues 318-338): LLPQPRSASE[Gly328Ser]IWWTVFFIYT

ClinVar aggregate classification (germline): Conflicting classifications of pathogenicity. Review status: criteria provided, conflicting classifications (1 of 4 stars). 3 submissions from 3 submitters: Uncertain significance (1); Likely benign (2). Last evaluated 2025-08-12.

Allele frequency attached by ClinVar (database versions not stated): TOPMed 0.00002.
gnomAD v4.1: 63 of 1,609,032 alleles (0.0039%); highest among the groups gnomAD compares: Middle Eastern, 0.082%; 1 homozygote.

Submissions (3):

Labcorp Genetics (formerly Invitae), Labcorp
Classification: Likely benign. Last evaluated: 2025-08-12. Review status: criteria provided, single submitter. Criteria: Invitae Variant Classification Sherloc (09022015). Collection method: clinical testing. Allele origin: germline.

GeneDx
Classification: Uncertain significance. Last evaluated: 2022-07-20. Review status: criteria provided, single submitter. Criteria: GeneDx Variant Classification Process June 2021. Collection method: clinical testing. Allele origin: germline. Affected: yes.
Comment: In silico analysis supports that this missense variant has a deleterious effect on protein structure/function; Has not been previously published as pathogenic or benign to our knowledge

Women's Health and Genetics/Laboratory Corporation of America, LabCorp
Classification: Likely benign. Last evaluated: 2022-06-24. Review status: criteria provided, single submitter. Criteria: LabCorp Variant Classification Summary - May 2015. Collection method: clinical testing. Allele origin: germline.
Comment: Variant summary: ADCY5 c.982G>A (p.Gly328Ser) results in a non-conservative amino acid change in the encoded protein sequence. Four of five in-silico tools predict a damaging effect of the variant on protein function. The variant allele was found at a frequency of 7e-05 in 241330 control chromosomes. The observed variant frequency is approximately 70 fold of the estimated maximal expected allele frequency for a pathogenic variant in ADCY5 causing Familial Dyskinesia With Facial Myokymia phenotype (1e-06), strongly suggesting that the variant is benign. To our knowledge, no occurrence of c.982G>A in individuals affected with Familial Dyskinesia With Facial Myokymia and no experimental evidence demonstrating its impact on protein function have been reported. One clinical diagnostic laboratory has submitted clinical-significance assessments for this variant to ClinVar after 2014 without evidence for independent evaluation and classified the variant as uncertain significance. Based on the evidence outlined above, the variant was classified as likely benign.